The following is an entry in ClinVar:

ClinVar aggregate classification (germline): Likely benign. Review status: criteria provided, multiple submitters, no conflicts (2 of 4 stars). 2 submissions from 2 submitters: Likely benign (2). Last evaluated 2025-09-01.

Allele frequency attached by ClinVar (database versions not stated): gnomAD exomes 0.00001; gnomAD 0.00002; TOPMed 0.00002; ExAC 0.00009; 1000 Genomes Project 30x 0.00016; 1000 Genomes Project 0.00020.
gnomAD v4.1: 24 of 1,611,020 alleles (0.0015%); highest among the groups gnomAD compares: Admixed American, 0.022%; no homozygotes.

Submissions (2):

CeGaT Center for Human Genetics Tuebingen
Classification: Likely benign. Last evaluated: 2025-09-01. Review status: criteria provided, single submitter. Criteria: CeGaT Center For Human Genetics Tuebingen Variant Classification Criteria Version 2. Collection method: clinical testing. Allele origin: germline. Affected: yes. Observed: 1 variant allele.
Comment: FGFR3: BP4

Labcorp Genetics (formerly Invitae), Labcorp
Classification: Likely benign. Last evaluated: 2025-06-04. Review status: criteria provided, single submitter. Criteria: Invitae Variant Classification Sherloc (09022015). Collection method: clinical testing. Allele origin: germline.

NM_000142.5(FGFR3):c.2200G>A (p.Ala734Thr)

Gene: FGFR3 (fibroblast growth factor receptor 3; plus strand). Cytogenetic location: 4p16.3.
Variant type: single nucleotide variant.
Coding change: c.2200G>A on transcript NM_000142.5 (MANE Select); coding-DNA position 2200, G replaced by A.
Protein change: p.Ala734Thr; replaces alanine 734 with threonine.
Molecular consequence: missense variant. On other transcripts: non-coding transcript variant (1).
Genome position (GRCh38, 1-based): chr4:1,806,860, G>A. VCF-style: chr4-1806860-G-A. GRCh37 (hg19) VCF-style: chr4-1808587-G-A.
Other names: c.1864G>A, p.Ala622Thr (NM_022965.4); c.2206G>A, p.Ala736Thr (NM_001163213.2); c.2203G>A, p.Ala735Thr (NM_001354809.2); c.2132G>A, p.Arg711His (NM_001354810.2); short protein forms A735T, R711H, A622T, A734T, A736T.
Identifiers: ClinVar variation 2769092 (VCV002769092.10), dbSNP rs188849608, ClinGen allele CA2810772.